The following is an entry in ClinVar:

ClinVar aggregate classification (germline): Uncertain significance (1 of 4 stars; one submission).

Allele frequency attached by ClinVar (database versions not stated): gnomAD exomes below 0.00001; gnomAD 0.00001; TOPMed 0.00002.
gnomAD v4.1: 2 of 1,613,700 alleles (0.00012%); highest among the groups gnomAD compares: African/African-American, 0.0013%; no homozygotes.

Submission:

Ambry Genetics
Classification: Uncertain significance. Last evaluated: 2024-02-04. Review status: criteria provided, single submitter. Criteria: Ambry Variant Classification Scheme 2023. Collection method: clinical testing. Allele origin: germline.
Comment: The p.E680K variant (also known as c.2038G>A), located in coding exon 4 of the ALPK2 gene, results from a G to A substitution at nucleotide position 2038. The glutamic acid at codon 680 is replaced by lysine, an amino acid with similar properties. This amino acid position is conserved. In addition, this alteration is predicted to be tolerated by in silico analysis. Since supporting evidence is limited at this time, the clinical significance of this alteration remains unclear.

NM_052947.4(ALPK2):c.2038G>A (p.Glu680Lys)

Gene: ALPK2 (alpha kinase 2; minus strand). Cytogenetic location: 18q21.31.
Variant type: single nucleotide variant.
Coding change: c.2038G>A on transcript NM_052947.4 (MANE Select); coding-DNA position 2038, G replaced by A.
Protein change: p.Glu680Lys; replaces glutamic acid 680 with lysine.
Molecular consequence: missense variant.
Genome position (GRCh38, 1-based): chr18:58,538,149, C>T on the plus strand (G>A on the coding strand, the complement: ALPK2 is on the minus strand). VCF-style: chr18-58538149-C-T. GRCh37 (hg19) VCF-style: chr18-56205381-C-T.
Other names: short protein forms E680K.
Identifiers: ClinVar variation 1784848 (VCV001784848.2), dbSNP rs936645156, ClinGen allele CA300927807.